The following is an entry in ClinVar:

ClinVar aggregate classification (germline): Uncertain significance (1 of 4 stars; one submission).

gnomAD v4.1: 4 of 1,600,380 alleles (0.00025%); highest among the groups gnomAD compares: Admixed American, 0.0017%; no homozygotes.

Submission:

GeneDx
Classification: Uncertain significance. Last evaluated: 2024-12-03. Review status: criteria provided, single submitter. Criteria: GeneDx Variant Classification Process June 2021. Collection method: clinical testing. Allele origin: germline. Affected: yes.
Comment: Not observed at significant frequency in large population cohorts (gnomAD); In silico analysis supports that this missense variant has a deleterious effect on protein structure/function; Has not been previously published as pathogenic or benign to our knowledge

NM_032590.5(KDM2B):c.2882C>T (p.Thr961Met)

Gene: KDM2B (lysine demethylase 2B; minus strand). Cytogenetic location: 12q24.31.
Variant type: single nucleotide variant.
Coding change: c.2882C>T on transcript NM_032590.5 (MANE Select); coding-DNA position 2882, C replaced by T.
Protein change: p.Thr961Met; replaces threonine 961 with methionine.
Molecular consequence: missense variant.
Genome position (GRCh38, 1-based): chr12:121,442,559, G>A on the plus strand (C>T on the coding strand, the complement: KDM2B is on the minus strand). VCF-style: chr12-121442559-G-A. GRCh37 (hg19) VCF-style: chr12-121880362-G-A.
Other names: c.2675C>T, p.Thr892Met (NM_001005366.2); short protein forms T892M, T961M.
Identifiers: ClinVar variation 3901673 (VCV003901673.1).